The following is an entry in ClinVar:

ClinVar aggregate classification (germline): Pathogenic (1 of 4 stars; one submission).

Conditions:
Hereditary breast ovarian cancer syndrome. Also called: Hereditary breast and ovarian cancer syndrome (HBOC); Hereditary breast and ovarian cancer; BRCA1- and BRCA2-Associated Hereditary Breast and Ovarian Cancer; Hereditary breast and ovarian cancer syndrome; Hereditary breast and/or ovarian cancer syndrome; Breast and ovarian cancer. Identifiers: Orphanet 145, MedGen C0677776, MeSH D061325, MONDO:0003582. Disease mechanism: loss of function.

Submission:

Labcorp Genetics (formerly Invitae), Labcorp
Classification: Pathogenic for Hereditary breast ovarian cancer syndrome. Last evaluated: 2024-04-06. Review status: criteria provided, single submitter. Criteria: Invitae Variant Classification Sherloc (09022015). Collection method: clinical testing. Allele origin: germline.
Comment: This sequence change creates a premature translational stop signal (p.Arg1243Serfs*21) in the BRCA1 gene. It is expected to result in an absent or disrupted protein product. Loss-of-function variants in BRCA1 are known to be pathogenic (PMID: 20104584). This variant is not present in population databases (gnomAD no frequency). This variant has not been reported in the literature in individuals affected with BRCA1-related conditions. For these reasons, this variant has been classified as Pathogenic.

Literature cited by the submitters: PubMed 20104584.

NM_007294.4(BRCA1):c.3729del (p.Arg1243fs)

Genes: BRCA1 (BRCA1 DNA repair associated; minus strand), LOC126862571 (BRD4-independent group 4 enhancer GRCh37_chr17:41243136-41244335; plus strand). Cytogenetic location: 17q21.31.
Variant type: Deletion.
Coding change: c.3729del on transcript NM_007294.4 (MANE Select); coding-DNA position 3729, one base deleted (G; older notation c.3729delG).
Protein change: p.Arg1243fs; shifts the reading frame from arginine 1243.
Molecular consequence: frameshift variant. On other transcripts: intron variant (135).
Genome position (GRCh38, 1-based): chr17:43,091,802, C deleted on the plus strand (G on the coding strand, the reverse complement: BRCA1 is on the minus strand); the first of 2 consecutive C bases (chr17:43,091,802-43,091,803); deleting either gives the same sequence. VCF-style (leftmost placement, unchanged base first): chr17-43091801-GC-G. GRCh37 (hg19) VCF-style: chr17-41243818-GC-G.
Other names: c.3393del, p.Arg1131fs (NM_001407958.1, NM_001407954.1, NM_001407955.1 and 1 more transcripts); c.3348del, p.Arg1116fs (NM_001407960.1, NM_001407959.1, NM_001407963.1); c.3345del, p.Arg1115fs (NM_001407962.1); c.2841del, p.Arg947fs (NM_001407966.1, NM_001407967.1); c.3585del, p.Arg1195fs (NM_001407964.1, NM_001407740.1, NM_001407741.1 and 20 more transcripts); c.3225del, p.Arg1075fs (NM_001407965.1); c.1125del, p.Arg375fs (NM_001407968.1, NM_001407969.1); c.647-770del (NM_001408458.1, NM_001408469.1, NM_001408453.1 and 11 more transcripts); and 41 more; short protein forms R1115fs, R1116fs, R1176fs, R1202fs, R375fs, R1131fs, R1132fs, R1240fs.
Identifiers: ClinVar variation 3648964 (VCV003648964.2).
Genomic context (GRCh38, chr17:43,091,801, plus strand): 5'-TCAATGATAATAAATTCTCCTCTGTGTTCTTAGACAGACACTCGGTAGCAACGGTGCTAT[GC>G]CTAGTAGACTGAGAAGGTATATTGTTTACTTTACCAAATAACAAGTGTTGGAAGCAGGGA-3'